The following is an entry in ClinVar:

ClinVar aggregate classification (germline): Uncertain significance (1 of 4 stars; one submission).

Conditions:
PCNT-related disorder. Also called: PCNT-related condition.

Submission:

PreventionGenetics, part of Exact Sciences
Classification: Uncertain significance for PCNT-related condition. Last evaluated: 2026-03-04. Review status: criteria provided, single submitter. Criteria: ACMG Guidelines, 2015. Collection method: clinical testing. Allele origin: germline.
Comment: The PCNT c.552_590del39 variant is predicted to result in an in-frame deletion (p.Met184_Gly196del). To our knowledge, this variant has not been reported in the literature or in a large population database (gnomAD), indicating this variant is rare. At this time, the clinical significance of this variant is uncertain due to the absence of conclusive functional and genetic evidence.

NM_006031.6(PCNT):c.552_590del (p.Met184_Gly196del)

Gene: PCNT (pericentrin; plus strand). Cytogenetic location: 21q22.3.
Variant type: Deletion.
Coding change: c.552_590del on transcript NM_006031.6 (MANE Select); coding-DNA positions 552 to 590, 39 bases deleted.
Protein change: p.Met184_Gly196del.
Molecular consequence: inframe deletion.
Genome position (GRCh38, 1-based): chr21:46,334,681-46,334,719, 39 bases deleted; deleting any 39 consecutive bases within chr21:46,334,667-46,334,719 gives the same sequence; the c. name uses the placement nearest the transcript's 3' end. GRCh37 (hg19): chr21:47,754,595-47,754,633.
Other names: c.198_236del, p.Met66_Gly78del (NM_001315529.2).
Identifiers: ClinVar variation 3354119 (VCV003354119.2).